The following is an entry in ClinVar:

ClinVar aggregate classification (germline): Likely benign. Review status: criteria provided, multiple submitters, no conflicts (2 of 4 stars). 3 submissions from 3 submitters: Likely benign (3). Last evaluated 2023-09-27.

Allele frequency attached by ClinVar (database versions not stated): gnomAD exomes below 0.00001.

Submissions (3):

Labcorp Genetics (formerly Invitae), Labcorp
Classification: Likely benign. Last evaluated: 2023-09-27. Review status: criteria provided, single submitter. Criteria: Invitae Variant Classification Sherloc (09022015). Collection method: clinical testing. Allele origin: germline.

Blueprint Genetics
Classification: Likely benign. Last evaluated: 2020-10-10. Review status: criteria provided, single submitter. Criteria: ACMG Guidelines, 2015. Collection method: clinical testing. Allele origin: germline.

GeneDx
Classification: Likely benign. Last evaluated: 2016-12-06. Review status: criteria provided, single submitter. Criteria: GeneDx Variant Classification (06012015). Collection method: clinical testing. Allele origin: germline. Affected: yes.
Comment: This variant is considered likely benign or benign based on one or more of the following criteria: it is a conservative change, it occurs at a poorly conserved position in the protein, it is predicted to be benign by multiple in silico algorithms, and/or has population frequency not consistent with disease.

NM_005654.6(NR2F1):c.992-16G>A

Gene: NR2F1 (nuclear receptor subfamily 2 group F member 1; plus strand). Cytogenetic location: 5q15.
Variant type: single nucleotide variant.
Coding change: c.992-16G>A on transcript NM_005654.6 (MANE Select); 16 bases into the intron before coding-DNA position 992, G replaced by A.
Molecular consequence: intron variant.
Genome position (GRCh38, 1-based): chr5:93,593,546, G>A. VCF-style: chr5-93593546-G-A. GRCh37 (hg19) VCF-style: chr5-92929252-G-A.
Identifiers: ClinVar variation 391559 (VCV000391559.9), dbSNP rs946631304, ClinGen allele CA16604951.